The following is an entry in ClinVar:

NM_017415.3(KLHL3):c.1747A>G (p.Ile583Val)

Gene: KLHL3 (kelch like family member 3; minus strand). Cytogenetic location: 5q31.2.
Variant type: single nucleotide variant.
Coding change: c.1747A>G on transcript NM_017415.3 (MANE Select); coding-DNA position 1747, A replaced by G.
Protein change: p.Ile583Val; replaces isoleucine 583 with valine.
Molecular consequence: missense variant.
Genome position (GRCh38, 1-based): chr5:137,622,115, T>C on the plus strand (A>G on the coding strand, the complement: KLHL3 is on the minus strand). VCF-style: chr5-137622115-T-C. GRCh37 (hg19) VCF-style: chr5-136957804-T-C.
Other names: c.1651A>G, p.Ile551Val (NM_001257194.1); c.1501A>G, p.Ile501Val (NM_001257195.2); short protein forms I501V, I551V, I583V.
Identifiers: ClinVar variation 2018106 (VCV002018106.4), dbSNP rs2479908307, ClinGen allele CA361043058.

ClinVar aggregate classification (germline): Uncertain significance (1 of 4 stars; one submission).

Allele frequency attached by ClinVar (database versions not stated): gnomAD exomes below 0.00001.
gnomAD v4.1: 1 of 1,614,252 alleles (0.000062%); highest among the groups gnomAD compares: Non-Finnish European, 0.000085%; no homozygotes.

Submission:

Labcorp Genetics (formerly Invitae), Labcorp
Classification: Uncertain significance. Last evaluated: 2022-07-19. Review status: criteria provided, single submitter. Criteria: Invitae Variant Classification Sherloc (09022015). Collection method: clinical testing. Allele origin: germline.
Comment: In summary, the available evidence is currently insufficient to determine the role of this variant in disease. Therefore, it has been classified as a Variant of Uncertain Significance. Algorithms developed to predict the effect of missense changes on protein structure and function (SIFT, PolyPhen-2, Align-GVGD) all suggest that this variant is likely to be tolerated. This variant has not been reported in the literature in individuals affected with KLHL3-related conditions. This variant is not present in population databases (gnomAD no frequency). This sequence change replaces isoleucine, which is neutral and non-polar, with valine, which is neutral and non-polar, at codon 583 of the KLHL3 protein (p.Ile583Val).